The following is an entry in ClinVar:

ClinVar aggregate classification (germline): Benign/Likely benign. Review status: criteria provided, multiple submitters, no conflicts (2 of 4 stars). 8 submissions from 8 submitters: Benign (2); Likely benign (4). 2 of the submissions do not count toward it. Last evaluated 2026-09-01.

Conditions:
Glycogen storage disease type X (GSD10). Also called: Glycogen storage disease due to phosphoglycerate mutase deficiency; GSD X; MYOPATHY DUE TO PHOSPHOGLYCERATE MUTASE DEFICIENCY; Dimauro disease; PGAMM DEFICIENCY; PHOSPHOGLYCERATE MUTASE, MUSCLE, DEFICIENCY OF. Identifiers: Orphanet 97234, MedGen C0268149, MONDO:0009865, OMIM 261670.
PGAM2-related disorder. Also called: PGAM2-related condition.

Allele frequency attached by ClinVar (database versions not stated): 1000 Genomes Project 0.00260; 1000 Genomes Project 30x 0.00281; TOPMed 0.00390; ESP Exome Variant Server 0.00477; gnomAD 0.00510 and 0.00529; gnomAD exomes 0.00513 and 0.00623; ExAC 0.00559.
gnomAD v4.1: 9,730 of 1,613,928 alleles (0.6%); highest among the groups gnomAD compares: Non-Finnish European, 0.71%; 43 homozygotes.

Submissions (8):

CeGaT Center for Human Genetics Tuebingen
Classification: Likely benign. Last evaluated: 2026-09-01. Review status: criteria provided, single submitter. Criteria: CeGaT Center For Human Genetics Tuebingen Variant Classification Criteria Version 2. Collection method: clinical testing. Allele origin: germline. Affected: yes. Observed: 27 variant alleles.
Comment: PGAM2: BP4, BP7, BS2

Labcorp Genetics (formerly Invitae), Labcorp
Classification: Benign for Glycogen storage disease type X. Last evaluated: 2026-01-31. Review status: criteria provided, single submitter. Criteria: Invitae Variant Classification Sherloc (09022015). Collection method: clinical testing. Allele origin: germline.

ARUP Laboratories, Molecular Genetics and Genomics, ARUP Laboratories
Classification: Likely benign for Glycogen storage disease type X. Last evaluated: 2024-03-19. Review status: criteria provided, single submitter. Criteria: ARUP Molecular Germline Variant Investigation Process 2024. Collection method: clinical testing. Allele origin: germline.

Illumina Laboratory Services, Illumina
Classification: Likely benign for Glycogen storage disease type X. Last evaluated: 2018-01-12. Review status: criteria provided, single submitter. Criteria: ICSL Variant Classification Criteria 13 December 2019. Collection method: clinical testing. Allele origin: germline.
Comment: This variant was observed in the ICSL laboratory as part of a predisposition screen in an ostensibly healthy population. It had not been previously curated by ICSL or reported in the Human Gene Mutation Database (HGMD: prior to June 1st, 2018), and was therefore a candidate for classification through an automated scoring system. Utilizing variant allele frequency, disease prevalence and penetrance estimates, and inheritance mode, an automated score was calculated to assess if this variant is too frequent to cause the disease. Based on the score and internal cut-off values, a variant classified as likely benign is not then subjected to further curation. The score for this variant resulted in a classification of likely benign for this disease.

GeneDx
Classification: Benign. Last evaluated: 2017-01-26. Review status: criteria provided, single submitter. Criteria: GeneDx Variant Classification (06012015). Collection method: clinical testing. Allele origin: germline. Affected: yes.
Comment: This variant is considered likely benign or benign based on one or more of the following criteria: it is a conservative change, it occurs at a poorly conserved position in the protein, it is predicted to be benign by multiple in silico algorithms, and/or has population frequency not consistent with disease.

Breakthrough Genomics
Classification: Likely benign. Review status: criteria provided, single submitter. Criteria: ACMG Guidelines, 2015. Collection method: not provided. Allele origin: germline. Inheritance: Autosomal recessive inheritance. Affected: yes.

PreventionGenetics, part of Exact Sciences
Classification: Benign for PGAM2-related condition. Last evaluated: 2021-03-03. Review status: no assertion criteria provided. Collection method: clinical testing. Allele origin: germline. Not counted in ClinVar's aggregate classification.
Comment: This variant is classified as benign based on ACMG/AMP sequence variant interpretation guidelines (Richards et al. 2015 PMID: 25741868, with internal and published modifications).

Mayo Clinic Laboratories, Mayo Clinic
Classification: Likely benign. Last evaluated: 2017-01-03. Review status: no assertion criteria provided. Collection method: clinical testing. Allele origin: unknown. Not counted in ClinVar's aggregate classification.

NM_000290.4(PGAM2):c.366G>A (p.Pro122=)

Genes: DBNL (drebrin like; plus strand), PGAM2 (phosphoglycerate mutase 2; minus strand), LOC129998342 (ATAC-STARR-seq lymphoblastoid active region 25925; plus strand). Cytogenetic location: 7p13.
Variant type: single nucleotide variant.
Coding change: c.366G>A on transcript NM_000290.4 (MANE Select); coding-DNA position 366, G replaced by A.
Protein change: p.Pro122=; no amino-acid change (proline 122 retained).
Molecular consequence: synonymous variant. On other transcripts: 3 prime UTR variant (6).
Genome position (GRCh38, 1-based): chr7:44,065,164, C>T on the plus strand (G>A on the coding strand, the complement: PGAM2 is on the minus strand). VCF-style: chr7-44065164-C-T. GRCh37 (hg19) VCF-style: chr7-44104763-C-T.
Other names: c.*4248C>T (NM_001014436.3, NM_001122956.2, NM_001284313.2 and 3 more transcripts).
Identifiers: ClinVar variation 360275 (VCV000360275.56), dbSNP rs143830182, ClinGen allele CA4236607.